The following is an entry in ClinVar:

ClinVar aggregate classification (germline): Likely benign. Review status: criteria provided, multiple submitters, no conflicts (2 of 4 stars). 2 submissions from 2 submitters: Likely benign (2). Last evaluated 2025-03-17.

Conditions:
ABCC2-related disorder. Also called: ABCC2-related condition.

Allele frequency attached by ClinVar (database versions not stated): ExAC 0.00001; gnomAD 0.00001; gnomAD exomes 0.00002.
gnomAD v4.1: 13 of 1,613,530 alleles (0.00081%); highest among the groups gnomAD compares: East Asian, 0.029%; 1 homozygote.

Submissions (2):

PreventionGenetics, part of Exact Sciences
Classification: Likely benign for ABCC2-related condition. Last evaluated: 2025-03-17. Review status: criteria provided, single submitter. Criteria: ACMG Guidelines, 2015. Collection method: clinical testing. Allele origin: germline.
Comment: This variant is classified as likely benign based on ACMG/AMP sequence variant interpretation guidelines (Richards et al. 2015 PMID: 25741868, with internal and published modifications).

Labcorp Genetics (formerly Invitae), Labcorp
Classification: Likely benign. Last evaluated: 2023-05-13. Review status: criteria provided, single submitter. Criteria: Invitae Variant Classification Sherloc (09022015). Collection method: clinical testing. Allele origin: germline.

NM_000392.5(ABCC2):c.633-10C>G

Gene: ABCC2 (ATP binding cassette subfamily C member 2; plus strand). Cytogenetic location: 10q24.2.
Variant type: single nucleotide variant.
Coding change: c.633-10C>G on transcript NM_000392.5 (MANE Select); 10 bases into the intron before coding-DNA position 633, C replaced by G.
Molecular consequence: intron variant.
Genome position (GRCh38, 1-based): chr10:99,797,087, C>G. VCF-style: chr10-99797087-C-G. GRCh37 (hg19) VCF-style: chr10-101556844-C-G.
Other names: c.633-10C>G (NM_000392.4).
Identifiers: ClinVar variation 2863913 (VCV002863913.4), dbSNP rs779438234, ClinGen allele CA5642965.